The following is an entry in ClinVar:

NM_181458.4(PAX3):c.528G>A (p.Glu176=)

Gene: PAX3 (paired box 3; minus strand). Cytogenetic location: 2q36.1.
Variant type: single nucleotide variant.
Coding change: c.528G>A on transcript NM_181458.4 (MANE Select); coding-DNA position 528, G replaced by A.
Protein change: p.Glu176=; no amino-acid change (glutamic acid 176 retained).
Molecular consequence: synonymous variant.
Genome position (GRCh38, 1-based): chr2:222,294,225, C>T on the plus strand (G>A on the coding strand, the complement: PAX3 is on the minus strand). VCF-style: chr2-222294225-C-T. GRCh37 (hg19) VCF-style: chr2-223158944-C-T.
Other names: c.528G>A, p.Glu176= (NM_000438.6, NM_013942.5, NM_181457.4 and 3 more transcripts); c.525G>A, p.Glu175= (NM_001127366.3).
Identifiers: ClinVar variation 514690 (VCV000514690.1), dbSNP rs758785525, ClinGen allele CA2135706.

ClinVar aggregate classification (germline): Likely benign (1 of 4 stars; one submission).

Allele frequency attached by ClinVar (database versions not stated): gnomAD exomes below 0.00001; TOPMed 0.00001 and below 0.00001; ExAC 0.00001.
gnomAD v4.1: 1 of 1,614,280 alleles (0.000062%); highest among the groups gnomAD compares: Admixed American, 0.0017%; no homozygotes.

Submission:

GeneDx
Classification: Likely benign. Last evaluated: 2018-01-16. Review status: criteria provided, single submitter. Criteria: GeneDx Variant Classification (06012015). Collection method: clinical testing. Allele origin: germline. Affected: yes.
Comment: This variant is considered likely benign or benign based on one or more of the following criteria: it is a conservative change, it occurs at a poorly conserved position in the protein, it is predicted to be benign by multiple in silico algorithms, and/or has population frequency not consistent with disease.